The following is an entry in ClinVar:

ClinVar aggregate classification (germline): Benign (0 of 4 stars; one submission).

Conditions:
SPATA13-related disorder. Also called: SPATA13-related condition.

Allele frequency attached by ClinVar (database versions not stated): ESP Exome Variant Server 0.01493; TOPMed 0.01575; gnomAD 0.01635; 1000 Genomes Project 30x 0.01686; 1000 Genomes Project 0.01737; ExAC 0.01833; gnomAD exomes 0.01926.
gnomAD v4.1: 30,758 of 1,613,606 alleles (1.9%); highest among the groups gnomAD compares: Middle Eastern, 4.6%; 369 homozygotes.

Submission:

PreventionGenetics, part of Exact Sciences
Classification: Benign for SPATA13-related condition. Last evaluated: 2020-01-09. Review status: no assertion criteria provided. Collection method: clinical testing. Allele origin: germline.
Comment: This variant is classified as benign based on ACMG/AMP sequence variant interpretation guidelines (Richards et al. 2015 PMID: 25741868, with internal and published modifications).

NM_001166271.3(SPATA13):c.1967T>C (p.Val656Ala)

Gene: SPATA13 (spermatogenesis associated 13; plus strand). Cytogenetic location: 13q12.12.
Variant type: single nucleotide variant.
Coding change: c.1967T>C on transcript NM_001166271.3 (MANE Select); coding-DNA position 1967, T replaced by C.
Protein change: p.Val656Ala; replaces valine 656 with alanine.
Molecular consequence: missense variant.
Genome position (GRCh38, 1-based): chr13:24,249,790, T>C. VCF-style: chr13-24249790-T-C. GRCh37 (hg19) VCF-style: chr13-24823928-T-C.
Other names: c.2153T>C, p.Val718Ala (NM_001286792.2); c.92T>C, p.Val31Ala (NM_153023.4); short protein forms V31A, V656A, V718A.
Identifiers: ClinVar variation 3060272 (VCV003060272.2), dbSNP rs80073311, ClinGen allele CA6914020.